The following is an entry in ClinVar:

NM_000492.4(CFTR):c.372C>T (p.Gly124=)

Gene: CFTR (CF transmembrane conductance regulator; plus strand). Cytogenetic location: 7q31.2.
Variant type: single nucleotide variant.
Coding change: c.372C>T on transcript NM_000492.4 (MANE Select); coding-DNA position 372, C replaced by T.
Protein change: p.Gly124=; no amino-acid change (glycine 124 retained).
Molecular consequence: synonymous variant.
Genome position (GRCh38, 1-based): chr7:117,530,997, C>T. VCF-style: chr7-117530997-C-T. GRCh37 (hg19) VCF-style: chr7-117171051-C-T.
Identifiers: ClinVar variation 411116 (VCV000411116.13), dbSNP rs1060503162, ClinGen allele CA16612012.

ClinVar aggregate classification (germline): Uncertain significance. Review status: criteria provided, multiple submitters, no conflicts (2 of 4 stars). 5 submissions from 5 submitters: Uncertain significance (3). 2 of the submissions do not count toward it. Last evaluated 2024-07-01.

Conditions:
CFTR-related disorder (CFTR-RD). Also called: CFTR-related disorders; CFTR-related condition. Identifiers: MedGen C5924204, MONDO:7770004.
Cystic fibrosis (CF). Also called: MUCOVISCIDOSIS. Identifiers: Orphanet 586, MedGen C0010674, MONDO:0009061, OMIM 219700. Disease mechanism: loss of function.

Allele frequency attached by ClinVar (database versions not stated): gnomAD exomes below 0.00001.
gnomAD v4.1: 1 of 1,613,696 alleles (0.000062%); highest among the groups gnomAD compares: Non-Finnish European, 0.000085%; no homozygotes.

Submissions (5):

Ambry Genetics
Classification: Uncertain significance for Cystic fibrosis. Last evaluated: 2024-07-01. Review status: criteria provided, single submitter. Criteria: Ambry Variant Classification Scheme 2023. Collection method: clinical testing. Allele origin: germline.
Comment: The c.372C>T variant (also known as p.G124G), located in coding exon 4, results from a C to T substitution at nucleotide position 372 of the CFTR gene. This nucleotide substitution does not change the amino acid at codon 124. This variant has been detected in conjunction with pathogenic mutations in CFTR by our laboratory; however, the phase (whether in cis or trans) is not known. In addition, this alteration has been detected in an individual with idiopathic chronic pancreatitis (Nakano E et al. Dig. Dis. Sci., 2015 May;60:1297-307). This nucleotide position is well conserved in available vertebrate species. In silico splice site analysis predicts that this alteration will result in the creation or strengthening of a novel splice donor site. Since supporting evidence is limited at this time, the clinical significance of this alteration remains unclear.

Labcorp Genetics (formerly Invitae), Labcorp
Classification: Uncertain significance for Cystic fibrosis. Last evaluated: 2021-08-31. Review status: criteria provided, single submitter. Criteria: Invitae Variant Classification Sherloc (09022015). Collection method: clinical testing. Allele origin: germline.
Comment: This sequence change affects codon 124 of the CFTR mRNA. It is a 'silent' change, meaning that it does not change the encoded amino acid sequence of the CFTR protein. This variant is not present in population databases (ExAC no frequency). This variant has been observed in individual(s) with idiopathic chronic pancreatitis (PMID: 25492507). Algorithms developed to predict the effect of sequence changes on RNA splicing suggest that this variant may create or strengthen a splice site. In summary, the available evidence is currently insufficient to determine the role of this variant in disease. Therefore, it has been classified as a Variant of Uncertain Significance.

Revvity Omics, Revvity
Classification: Uncertain significance. Last evaluated: 2019-02-11. Review status: criteria provided, single submitter. Criteria: ACMG Guidelines, 2015. Collection method: clinical testing. Allele origin: germline.

Molecular Genetics Laboratory, BC Children's and BC Women's Hospitals
Classification: Uncertain significance for Cystic fibrosis. Last evaluated: 2024-07-02. Review status: no assertion criteria provided. Criteria: ACMG Guidelines, 2015. Collection method: clinical testing. Allele origin: germline. Affected: yes. Not counted in ClinVar's aggregate classification.

Natera, Inc.
Classification: Uncertain significance for CFTR-related disorders. Last evaluated: 2020-10-30. Review status: no assertion criteria provided. Collection method: clinical testing. Allele origin: germline. Not counted in ClinVar's aggregate classification.

Literature cited by the submitters: PubMed 25492507 (cited by Ambry Genetics and Labcorp Genetics (formerly Invitae), Labcorp).